The following is an entry in ClinVar:

ClinVar aggregate classification (germline): Pathogenic (1 of 4 stars; one submission).

Conditions:
Primary ciliary dyskinesia. Also called: Ciliary dyskinesia. Identifiers: Orphanet 244, MedGen C0008780, MONDO:0016575, HP:0012265.

Submission:

Labcorp Genetics (formerly Invitae), Labcorp
Classification: Pathogenic for Primary ciliary dyskinesia. Last evaluated: 2023-04-17. Review status: criteria provided, single submitter. Criteria: Invitae Variant Classification Sherloc (09022015). Collection method: clinical testing. Allele origin: germline.
Comment: For these reasons, this variant has been classified as Pathogenic. This variant has not been reported in the literature in individuals affected with DNAH11-related conditions. This variant is not present in population databases (gnomAD no frequency). This sequence change creates a premature translational stop signal (p.Gln1466*) in the DNAH11 gene. It is expected to result in an absent or disrupted protein product. Loss-of-function variants in DNAH11 are known to be pathogenic (PMID: 18022865, 20513915, 22184204).

Literature cited by the submitters: PubMed 18022865; PubMed 20513915; PubMed 22184204.

NM_001277115.2(DNAH11):c.4396C>T (p.Gln1466Ter)

Gene: DNAH11 (dynein axonemal heavy chain 11; plus strand). Cytogenetic location: 7p15.3.
Variant type: single nucleotide variant.
Coding change: c.4396C>T on transcript NM_001277115.2 (MANE Select); coding-DNA position 4396, C replaced by T.
Protein change: p.Gln1466Ter; replaces glutamine 1466 with a stop codon.
Molecular consequence: nonsense.
Genome position (GRCh38, 1-based): chr7:21,619,974, C>T. VCF-style: chr7-21619974-C-T. GRCh37 (hg19) VCF-style: chr7-21659592-C-T.
Other names: c.4411C>T, p.Gln1471Ter (NM_003777.3); short protein forms Q1466*, Q1471*.
Identifiers: ClinVar variation 2857193 (VCV002857193.3), dbSNP rs2534711045, ClinGen allele CA366952831.